The following is an entry in ClinVar:

NM_000381.4(MID1):c.1561C>T (p.Arg521Cys)

Gene: MID1 (midline 1; minus strand). Cytogenetic location: Xp22.2.
Variant type: single nucleotide variant.
Coding change: c.1561C>T on transcript NM_000381.4 (MANE Select); coding-DNA position 1561, C replaced by T.
Protein change: p.Arg521Cys; replaces arginine 521 with cysteine.
Molecular consequence: missense variant.
Genome position (GRCh38, 1-based): chrX:10,454,964, G>A on the plus strand (C>T on the coding strand, the complement: MID1 is on the minus strand). VCF-style: chrX-10454964-G-A. GRCh37 (hg19) VCF-style: chrX-10423004-G-A.
Other names: c.1561C>T, p.Arg521Cys (NM_001098624.2, NM_001193277.1, NM_001347733.2 and 1 more transcripts); c.1447C>T, p.Arg483Cys (NM_033289.2); c.1561C>T (NM_000381.3); short protein forms R521C, R483C.
Identifiers: ClinVar variation 199014 (VCV000199014.36), dbSNP rs149482288, ClinGen allele CA247969.

ClinVar aggregate classification (germline): Benign/Likely benign. Review status: criteria provided, multiple submitters, no conflicts (2 of 4 stars). 7 submissions from 7 submitters: Benign (2); Likely benign (2). 3 of the submissions do not count toward it. Last evaluated 2026-02-03.

Conditions:
MID1-related disorder. Also called: MID1-related condition.
Inborn genetic diseases. Identifiers: MedGen C0950123, MeSH D030342.

Allele frequency attached by ClinVar (database versions not stated): 1000 Genomes Project 30x 0.00021; TOPMed 0.00022; 1000 Genomes Project 0.00026; gnomAD exomes 0.00032 and 0.00052; gnomAD 0.00035 and 0.00037; ESP Exome Variant Server 0.00057; ExAC 0.00063.
gnomAD v4.1: 391 of 1,207,166 alleles (0.032%); highest among the groups gnomAD compares: Non-Finnish European, 0.032%; no homozygotes.

Submissions (7):

Labcorp Genetics (formerly Invitae), Labcorp
Classification: Benign. Last evaluated: 2026-02-03. Review status: criteria provided, single submitter. Criteria: Invitae Variant Classification Sherloc (09022015). Collection method: clinical testing. Allele origin: germline.

CeGaT Center for Human Genetics Tuebingen
Classification: Likely benign. Last evaluated: 2025-06-01. Review status: criteria provided, single submitter. Criteria: CeGaT Center For Human Genetics Tuebingen Variant Classification Criteria Version 2. Collection method: clinical testing. Allele origin: germline. Affected: yes. Observed: 4 variant alleles.
Comment: MID1: BS2

Ambry Genetics
Classification: Benign for Inborn genetic diseases. Last evaluated: 2024-02-29. Review status: criteria provided, single submitter. Criteria: Ambry Variant Classification Scheme 2023. Collection method: clinical testing. Allele origin: germline.

Eurofins Ntd Llc (ga)
Classification: Likely benign. Last evaluated: 2016-07-26. Review status: criteria provided, single submitter. Criteria: EGL Classification Definitions 2015. Collection method: clinical testing. Allele origin: germline. Observed: 2 variant alleles, 1 heterozygote, 1 hemizygote.

PreventionGenetics, part of Exact Sciences
Classification: Likely benign for MID1-related condition. Last evaluated: 2024-06-09. Review status: no assertion criteria provided. Collection method: clinical testing. Allele origin: germline. Not counted in ClinVar's aggregate classification.
Comment: This variant is classified as likely benign based on ACMG/AMP sequence variant interpretation guidelines (Richards et al. 2015 PMID: 25741868, with internal and published modifications).

Clinical Genetics DNA and cytogenetics Diagnostics Lab, Erasmus MC, Erasmus Medical Center
Classification: Likely benign. Review status: no assertion criteria provided. Collection method: clinical testing. Allele origin: germline. Affected: yes. Study: VKGL Data-share Consensus. Not counted in ClinVar's aggregate classification.

Diagnostic Laboratory, Department of Genetics, University Medical Center Groningen
Classification: Likely benign. Review status: no assertion criteria provided. Collection method: clinical testing. Allele origin: germline. Affected: yes. Study: VKGL Data-share Consensus. Not counted in ClinVar's aggregate classification.